The following is an entry in ClinVar:

NM_001371986.1(UNC80):c.3193C>T (p.Arg1065Cys)

Gene: UNC80 (unc-80 subunit of NALCN channel complex; plus strand). Cytogenetic location: 2q34.
Variant type: single nucleotide variant.
Coding change: c.3193C>T on transcript NM_001371986.1 (MANE Select); coding-DNA position 3193, C replaced by T.
Protein change: p.Arg1065Cys; replaces arginine 1065 with cysteine.
Molecular consequence: missense variant.
Genome position (GRCh38, 1-based): chr2:209,839,373, C>T. VCF-style: chr2-209839373-C-T. GRCh37 (hg19) VCF-style: chr2-210704097-C-T.
Other names: c.3193C>T, p.Arg1065Cys (NM_032504.2); c.3178C>T, p.Arg1060Cys (NM_182587.4); c.3193C>T (NM_032504.1); short protein forms R1065C, R1060C.
Identifiers: ClinVar variation 1377810 (VCV001377810.7), dbSNP rs1240253263, ClinGen allele CA350412390.
Genomic context (GRCh38, chr2:209,839,373, plus strand): 5'-CAGTCTGAACAGGACACTTCAGAATGCACGACTGCCCACTCAGGGACCACCTCTGACCGA[C>T]GTGCCCGCTCACGATCCCGCAGAATTTCCCTCCGAAAGAAGCTTAAACTCCCCATAGGTA-3'
Protein context (NP_001358915.1, residues 1055-1075): TAHSGTTSDR[Arg1065Cys]ARSRSRRISL

ClinVar aggregate classification (germline): Uncertain significance. Review status: criteria provided, multiple submitters, no conflicts (2 of 4 stars). 2 submissions from 2 submitters: Uncertain significance (2). Last evaluated 2025-05-25.

Conditions:
Inborn genetic diseases. Identifiers: MedGen C0950123, MeSH D030342.

Allele frequency attached by ClinVar (database versions not stated): gnomAD exomes 0.00001; TOPMed 0.00002.

Submissions (2):

Ambry Genetics
Classification: Uncertain significance for Inborn genetic diseases. Last evaluated: 2025-05-25. Review status: criteria provided, single submitter. Criteria: Ambry Variant Classification Scheme 2023. Collection method: clinical testing. Allele origin: germline.

Labcorp Genetics (formerly Invitae), Labcorp
Classification: Uncertain significance. Last evaluated: 2022-03-13. Review status: criteria provided, single submitter. Criteria: Invitae Variant Classification Sherloc (09022015). Collection method: clinical testing. Allele origin: germline.
Comment: In summary, the available evidence is currently insufficient to determine the role of this variant in disease. Therefore, it has been classified as a Variant of Uncertain Significance. Algorithms developed to predict the effect of missense changes on protein structure and function are either unavailable or do not agree on the potential impact of this missense change (SIFT: "Not Available"; PolyPhen-2: "Probably Damaging"; Align-GVGD: "Not Available"). This variant has not been reported in the literature in individuals affected with UNC80-related conditions. This variant is present in population databases (no rsID available, gnomAD 0.006%). This sequence change replaces arginine, which is basic and polar, with cysteine, which is neutral and slightly polar, at codon 1065 of the UNC80 protein (p.Arg1065Cys).